The following is an entry in ClinVar:

ClinVar aggregate classification (germline): Uncertain significance (1 of 4 stars; one submission).

gnomAD v4.1: 3 of 1,547,842 alleles (0.00019%); highest among the groups gnomAD compares: Admixed American, 0.0038%; no homozygotes.

Submission:

Labcorp Genetics (formerly Invitae), Labcorp
Classification: Uncertain significance. Last evaluated: 2025-01-29. Review status: criteria provided, single submitter. Criteria: Invitae Variant Classification Sherloc (09022015). Collection method: clinical testing. Allele origin: germline.
Comment: This sequence change falls in intron 9 of the ARHGEF1 gene. It does not directly change the encoded amino acid sequence of the ARHGEF1 protein. It affects a nucleotide within the consensus splice site. This variant is present in population databases (rs781860786, gnomAD 0.008%). This variant has not been reported in the literature in individuals affected with ARHGEF1-related conditions. Variants that disrupt the consensus splice site are a relatively common cause of aberrant splicing (PMID: 17576681, 9536098). Algorithms developed to predict the effect of sequence changes on RNA splicing suggest that this variant is not likely to affect RNA splicing. In summary, the available evidence is currently insufficient to determine the role of this variant in disease. Therefore, it has been classified as a Variant of Uncertain Significance.

Literature cited by the submitters: PubMed 17576681; PubMed 9536098.

NM_004706.4(ARHGEF1):c.744+6T>C

Gene: ARHGEF1 (Rho guanine nucleotide exchange factor 1; plus strand). Cytogenetic location: 19q13.2.
Variant type: single nucleotide variant.
Coding change: c.744+6T>C on transcript NM_004706.4 (MANE Select); 6 bases into the intron after coding-DNA position 744, T replaced by C.
Molecular consequence: intron variant.
Genome position (GRCh38, 1-based): chr19:41,894,312, T>C. VCF-style: chr19-41894312-T-C. GRCh37 (hg19) VCF-style: chr19-42398385-T-C.
Other names: c.744+6T>C (NM_001396003.1, NM_001396000.1, NM_001396006.1); c.645+6T>C (NM_001396002.1, NM_198977.2, NM_001396004.1); c.789+6T>C (NM_199002.2).
Identifiers: ClinVar variation 3617718 (VCV003617718.2).